The following is an entry in ClinVar:

ClinVar aggregate classification (germline): Pathogenic (1 of 4 stars; one submission).

Submission:

Labcorp Genetics (formerly Invitae), Labcorp
Classification: Pathogenic. Last evaluated: 2020-02-02. Review status: criteria provided, single submitter. Criteria: Invitae Variant Classification Sherloc (09022015). Collection method: clinical testing. Allele origin: germline.
Comment: Algorithms developed to predict the effect of sequence changes on RNA splicing suggest that this variant may disrupt the consensus splice site, but this prediction has not been confirmed by published transcriptional studies. This variant has been observed in individual(s) with hypophosphatemia (PMID: 19219621). This variant is not present in population databases (ExAC no frequency). This sequence change affects a donor splice site in intron 3 of the PHEX gene. It is expected to disrupt RNA splicing and likely results in an absent or disrupted protein product. Donor and acceptor splice site variants typically lead to a loss of protein function (PMID: 16199547), and loss-of-function variants in PHEX are known to be pathogenic (PMID: 9097956, 9106524, 19219621). For these reasons, this variant has been classified as Pathogenic.

Literature cited by the submitters: PubMed 19219621; PubMed 16199547; PubMed 9097956; PubMed 9106524.

NM_000444.6(PHEX):c.349+2T>C

Gene: PHEX (phosphate regulating endopeptidase X-linked; plus strand). Cytogenetic location: Xp22.11.
Variant type: single nucleotide variant.
Coding change: c.349+2T>C on transcript NM_000444.6 (MANE Select); the canonical splice donor site of the intron after coding-DNA position 349, T replaced by C.
Molecular consequence: splice donor variant.
Genome position (GRCh38, 1-based): chrX:22,047,213, T>C. VCF-style: chrX-22047213-T-C. GRCh37 (hg19) VCF-style: chrX-22065331-T-C.
Other names: c.349+2T>C (NM_001282754.2).
Identifiers: ClinVar variation 1071317 (VCV001071317.9), dbSNP rs2146987952, ClinGen allele CA412568185.